The following is an entry in ClinVar:

NM_178012.5(TUBB2B):c.703G>A (p.Gly235Arg)

Gene: TUBB2B (tubulin beta 2B class IIb; minus strand). Cytogenetic location: 6p25.2.
Variant type: single nucleotide variant.
Coding change: c.703G>A on transcript NM_178012.5 (MANE Select); coding-DNA position 703, G replaced by A.
Protein change: p.Gly235Arg; replaces glycine 235 with arginine.
Molecular consequence: missense variant.
Genome position (GRCh38, 1-based): chr6:3,225,386, C>T on the plus strand (G>A on the coding strand, the complement: TUBB2B is on the minus strand). VCF-style: chr6-3225386-C-T. GRCh37 (hg19) VCF-style: chr6-3225620-C-T.
Other names: short protein forms G235R.
Identifiers: ClinVar variation 160184 (VCV000160184.8), dbSNP rs587784500, ClinGen allele CA251183.
Genomic context (GRCh38, chr6:3,225,386, plus strand): 5'-CCGCCAGCTTGCGCAGGTCTGCGTTCAGCTGGCCCGGGAAGCGCAGGCAGGTGGTGACCC[C>T]GCTCATGGTGGCCGACACCAGGTGGTTGAGGTCCCCGTAGGTGGGGGTGGTCAGCTTCAG-3'
Protein context (NP_821080.1, residues 225-245): LNHLVSATMS[Gly235Arg]VTTCLRFPGQ

ClinVar aggregate classification (germline): Conflicting classifications of pathogenicity. Review status: criteria provided, conflicting classifications (1 of 4 stars). 4 submissions from 4 submitters: Uncertain significance (1); Benign (3). Last evaluated 2023-04-20.

Conditions:
Complex cortical dysplasia with other brain malformations 7. Identifiers: Orphanet 300573, MedGen C3552236, MONDO:0012399, OMIM 610031.

Allele frequency attached by ClinVar (database versions not stated): gnomAD exomes 0.00507; ExAC 0.03359.

Submissions (4):

Labcorp Genetics (formerly Invitae), Labcorp
Classification: Uncertain significance. Last evaluated: 2023-04-20. Review status: criteria provided, single submitter. Criteria: Invitae Variant Classification Sherloc (09022015). Collection method: clinical testing. Allele origin: germline.
Comment: This variant has not been reported in the literature in individuals affected with TUBB2B-related conditions. The frequency data for this variant in the population databases is considered unreliable, as metrics indicate poor data quality at this position in the gnomAD database. This sequence change replaces glycine, which is neutral and non-polar, with arginine, which is basic and polar, at codon 235 of the TUBB2B protein (p.Gly235Arg). In summary, the available evidence is currently insufficient to determine the role of this variant in disease. Therefore, it has been classified as a Variant of Uncertain Significance. Advanced modeling of protein sequence and biophysical properties (such as structural, functional, and spatial information, amino acid conservation, physicochemical variation, residue mobility, and thermodynamic stability) performed at Invitae indicates that this missense variant is expected to disrupt TUBB2B protein function. ClinVar contains an entry for this variant (Variation ID: 160184).

Fulgent Genetics
Classification: Benign for Complex cortical dysplasia with other brain malformations 7. Last evaluated: 2021-12-08. Review status: criteria provided, single submitter. Criteria: ACMG Guidelines, 2015. Collection method: clinical testing. Allele origin: unknown.

GeneDx
Classification: Benign. Last evaluated: 2019-09-02. Review status: criteria provided, single submitter. Criteria: GeneDx Variant Classification Process June 2021. Collection method: clinical testing. Allele origin: germline. Affected: yes.

Athena Diagnostics
Classification: Benign. Last evaluated: 2019-03-05. Review status: criteria provided, single submitter. Criteria: Athena Diagnostics Criteria. Collection method: clinical testing. Allele origin: germline.

Literature cited by the submitters: PubMed 22333901 (cited by Athena Diagnostics).